The following is an entry in ClinVar:

NM_022769.5(CRTC3):c.1387C>A (p.Arg463Ser)

Genes: CRTC3 (CREB regulated transcription coactivator 3; plus strand), CRTC3-AS1 (CRTC3 antisense RNA 1; minus strand). Cytogenetic location: 15q26.1.
Variant type: single nucleotide variant.
Coding change: c.1387C>A on transcript NM_022769.5 (MANE Select); coding-DNA position 1387, C replaced by A.
Protein change: p.Arg463Ser; replaces arginine 463 with serine.
Molecular consequence: missense variant.
Genome position (GRCh38, 1-based): chr15:90,638,566, C>A. VCF-style: chr15-90638566-C-A. GRCh37 (hg19) VCF-style: chr15-91181798-C-A.
Other names: c.1387C>A, p.Arg463Ser (NM_001042574.3); short protein forms R463S.
Identifiers: ClinVar variation 161762 (VCV000161762.2), dbSNP rs193921108, ClinGen allele CA174738.
Genomic context (GRCh38, chr15:90,638,566, plus strand): 5'-TCGCCGCCACCCCCTTACCCTGCACCCCAGGAGCTCACCCAGCCCCTCCTGCAGCAGCCC[C>A]GCGCCCCTGAGGCCCCTGCCCAGCAGCCCCAGGCAGCCTCCTCACTGCCACAGTCAGACT-3'
Protein context (NP_073606.3, residues 453-473): ELTQPLLQQP[Arg463Ser]APEAPAQQPQ

ClinVar aggregate classification (germline): Uncertain significance (0 of 4 stars; one submission).

Conditions:
Prostate cancer. Also called: Malignant tumor of prostate. Identifiers: Orphanet 1331, MedGen C0376358, MONDO:0008315, HP:0012125.

Submission:

Science for Life laboratory,  Karolinska Institutet
Classification: Uncertain significance for Malignant tumor of prostate. Review status: no assertion criteria provided. Collection method: not provided. Allele origin: somatic.
Comment: TumorID:SWE-91B
ClinVar note: Converted during submission from Unknown to Uncertain significance.